The following is an entry in ClinVar:

ClinVar aggregate classification (germline): Benign. Review status: criteria provided, multiple submitters, no conflicts (2 of 4 stars). 3 submissions from 3 submitters: Benign (2). 1 of the submissions does not count toward it. Last evaluated 2018-11-09.

Conditions:
PTPRD-related disorder. Also called: PTPRD-related condition.

Allele frequency attached by ClinVar (database versions not stated): gnomAD exomes 0.00085; ExAC 0.00108; ESP Exome Variant Server 0.00269; gnomAD 0.00316 and 0.00337; TOPMed 0.00366; 1000 Genomes Project 0.00419; 1000 Genomes Project 30x 0.00453.
gnomAD v4.1: 1,053 of 1,614,044 alleles (0.065%); highest among the groups gnomAD compares: African/African-American, 1.2%; 7 homozygotes.

Submissions (3):

Labcorp Genetics (formerly Invitae), Labcorp
Classification: Benign. Last evaluated: 2018-11-09. Review status: criteria provided, single submitter. Criteria: Invitae Variant Classification Sherloc (09022015). Collection method: clinical testing. Allele origin: germline.

Breakthrough Genomics
Classification: Benign. Review status: criteria provided, single submitter. Criteria: ACMG Guidelines, 2015. Collection method: not provided. Allele origin: germline. Inheritance: Unknown mechanism. Affected: yes.

PreventionGenetics, part of Exact Sciences
Classification: Benign for PTPRD-related condition. Last evaluated: 2019-07-16. Review status: no assertion criteria provided. Collection method: clinical testing. Allele origin: germline. Not counted in ClinVar's aggregate classification.
Comment: This variant is classified as benign based on ACMG/AMP sequence variant interpretation guidelines (Richards et al. 2015 PMID: 25741868, with internal and published modifications).

NM_002839.4(PTPRD):c.2199C>T (p.Arg733=)

Gene: PTPRD (protein tyrosine phosphatase receptor type D; minus strand). Cytogenetic location: 9p24.1.
Variant type: single nucleotide variant.
Coding change: c.2199C>T on transcript NM_002839.4 (MANE Select); coding-DNA position 2199, C replaced by T.
Protein change: p.Arg733=; no amino-acid change (arginine 733 retained).
Molecular consequence: synonymous variant. On other transcripts: intron variant (7).
Genome position (GRCh38, 1-based): chr9:8,499,770, G>A on the plus strand (C>T on the coding strand, the complement: PTPRD is on the minus strand). VCF-style: chr9-8499770-G-A. GRCh37 (hg19) VCF-style: chr9-8499770-G-A.
Other names: c.2199C>T, p.Arg733= (NM_001377958.1, NM_001378058.1); c.1792+4491C>T (NM_001171025.2); c.1804+4491C>T (NM_001377946.1, NM_130393.3); c.1813+4491C>T (NM_001377947.1, NM_001040712.2); c.1822+4491C>T (NM_130391.4, NM_130392.3).
Identifiers: ClinVar variation 727310 (VCV000727310.6), dbSNP rs115415584, ClinGen allele CA4984242.
Genomic context (GRCh38, chr9:8,499,770, plus strand): 5'-CCTCACATAATGCACCTGATATCCTCTTATCTGGCCATGCTGTTTATTGGGCACGGGTGA[G>A]CGCCATGAGACTTTAACAGATGTTGAGTTGACAGCCTCTACCTCGACTTTGCGAGGAGGA-3'
Protein context (NP_002830.1, residues 723-743): VNSTSVKVSW[Arg733=]SPVPNKQHGQ